The following is an entry in ClinVar:

ClinVar aggregate classification (germline): Uncertain significance (1 of 4 stars; one submission).

Submission:

Labcorp Genetics (formerly Invitae), Labcorp
Classification: Uncertain significance. Last evaluated: 2025-03-17. Review status: criteria provided, single submitter. Criteria: Invitae Variant Classification Sherloc (09022015). Collection method: clinical testing. Allele origin: germline.
Comment: This sequence change replaces leucine, which is neutral and non-polar, with phenylalanine, which is neutral and non-polar, at codon 2865 of the CDH23 protein (p.Leu2865Phe). This variant is not present in population databases (gnomAD no frequency). This variant has not been reported in the literature in individuals affected with CDH23-related conditions. ClinVar contains an entry for this variant (Variation ID: 1716028). Invitae Evidence Modeling of protein sequence and biophysical properties (such as structural, functional, and spatial information, amino acid conservation, physicochemical variation, residue mobility, and thermodynamic stability) has been performed for this missense variant. However, the output from this modeling did not meet the statistical confidence thresholds required to predict the impact of this variant on CDH23 protein function. In summary, the available evidence is currently insufficient to determine the role of this variant in disease. Therefore, it has been classified as a Variant of Uncertain Significance.

NM_022124.6(CDH23):c.8595G>T (p.Leu2865Phe)

Gene: CDH23 (cadherin related 23; plus strand). Cytogenetic location: 10q22.1.
Variant type: single nucleotide variant.
Coding change: c.8595G>T on transcript NM_022124.6 (MANE Select); coding-DNA position 8595, G replaced by T.
Protein change: p.Leu2865Phe; replaces leucine 2865 with phenylalanine.
Molecular consequence: missense variant.
Genome position (GRCh38, 1-based): chr10:71,807,880, G>T. VCF-style: chr10-71807880-G-T. GRCh37 (hg19) VCF-style: chr10-73567637-G-T.
Other names: c.1875G>T, p.Leu625Phe (NM_001171933.1, NM_001171934.1); short protein forms L2865F, L625F.
Identifiers: ClinVar variation 1716028 (VCV001716028.5), dbSNP rs2494437430, ClinGen allele CA377132057.
Genomic context (GRCh38, chr10:71,807,880, plus strand): 5'-CTTACACCACCTGCCTCTTCCTGCAGGGGTGGCCACCGACGCCAAGGTGGGCTCAGAGTT[G>T]ATCCAGGTGCTGGCCCTGGATGCAGACATTGGCAACAACAGCCTTGTCTTCTACAGCATT-3'
Protein context (NP_071407.4, residues 2855-2875): VATDAKVGSE[Leu2865Phe]IQVLALDADI